The following is an entry in ClinVar:

ClinVar aggregate classification (germline): Conflicting classifications of pathogenicity. Review status: criteria provided, conflicting classifications (1 of 4 stars). 6 submissions from 6 submitters: Uncertain significance (1); Likely benign (5). Last evaluated 2026-01-01.

Conditions:
Inborn genetic diseases. Identifiers: MedGen C0950123, MeSH D030342.

Allele frequency attached by ClinVar (database versions not stated): TOPMed 0.00031; gnomAD 0.00032; gnomAD exomes 0.00041; ExAC 0.00053.
gnomAD v4.1: 721 of 1,585,562 alleles (0.045%); highest among the groups gnomAD compares: Non-Finnish European, 0.055%; no homozygotes.

Submissions (6):

Labcorp Genetics (formerly Invitae), Labcorp
Classification: Likely benign. Last evaluated: 2026-01-01. Review status: criteria provided, single submitter. Criteria: Invitae Variant Classification Sherloc (09022015). Collection method: clinical testing. Allele origin: germline.

Women's Health and Genetics/Laboratory Corporation of America, LabCorp
Classification: Likely benign. Last evaluated: 2025-10-28. Review status: criteria provided, single submitter. Criteria: LabCorp Variant Classification Summary - May 2015. Collection method: clinical testing. Allele origin: germline.

Blueprint Genetics
Classification: Likely benign. Last evaluated: 2024-10-23. Review status: criteria provided, single submitter. Criteria: ACMG Guidelines, 2015. Collection method: clinical testing. Allele origin: germline.

CeGaT Center for Human Genetics Tuebingen
Classification: Uncertain significance. Last evaluated: 2023-09-01. Review status: criteria provided, single submitter. Criteria: CeGaT Center For Human Genetics Tuebingen Variant Classification Criteria Version 2. Collection method: clinical testing. Allele origin: germline. Affected: yes. Observed: 1 variant allele.
Comment: SZT2: PM2:Supporting, BP4

Ambry Genetics
Classification: Likely benign for Inborn genetic diseases. Last evaluated: 2018-04-11. Review status: criteria provided, single submitter. Criteria: Ambry Variant Classification Scheme 2023. Collection method: clinical testing. Allele origin: germline.

Breakthrough Genomics
Classification: Likely benign. Review status: criteria provided, single submitter. Criteria: ACMG Guidelines, 2015. Collection method: not provided. Allele origin: germline. Inheritance: Autosomal recessive inheritance. Affected: yes.

NM_001365999.1(SZT2):c.2025G>A (p.Pro675=)

Gene: SZT2 (SZT2 subunit of KICSTOR complex; plus strand). Cytogenetic location: 1p34.2.
Variant type: single nucleotide variant.
Coding change: c.2025G>A on transcript NM_001365999.1 (MANE Select); coding-DNA position 2025, G replaced by A.
Protein change: p.Pro675=; no amino-acid change (proline 675 retained).
Molecular consequence: synonymous variant.
Genome position (GRCh38, 1-based): chr1:43,422,871, G>A. VCF-style: chr1-43422871-G-A. GRCh37 (hg19) VCF-style: chr1-43888542-G-A.
Other names: c.2025G>A, p.Pro675= (NM_015284.4).
Identifiers: ClinVar variation 416964 (VCV000416964.41), dbSNP rs561698107, ClinGen allele CA808586.
Genomic context (GRCh38, chr1:43,422,871, plus strand): 5'-CATTTCCAAGGCCCCATGCATGGTTCTTCGCCTGGGTTTTCCCATTGGCACACCAGCACC[G>A]GCCCGGCACAAGGTAAGCTGGGCCCTGACTGACTCTGACCAAGGAGCCCTAGGGTGTAGG-3'
Protein context (NP_001352928.1, residues 665-685): RLGFPIGTPA[Pro675=]ARHKIVSGLR